The following is an entry in ClinVar:

NM_021098.3(CACNA1H):c.5002C>G (p.Leu1668Val)

Gene: CACNA1H (calcium voltage-gated channel subunit alpha1 H; plus strand). Cytogenetic location: 16p13.3.
Variant type: single nucleotide variant.
Coding change: c.5002C>G on transcript NM_021098.3 (MANE Select); coding-DNA position 5002, C replaced by G.
Protein change: p.Leu1668Val; replaces leucine 1668 with valine.
Molecular consequence: missense variant.
Genome position (GRCh38, 1-based): chr16:1,215,044, C>G. VCF-style: chr16-1215044-C-G. GRCh37 (hg19) VCF-style: chr16-1265044-C-G.
Other names: c.4984C>G, p.Leu1662Val (NM_001005407.2); short protein forms L1668V, L1662V.
Identifiers: ClinVar variation 2946475 (VCV002946475.3), dbSNP rs1300073019, ClinGen allele CA394146214.

ClinVar aggregate classification (germline): Uncertain significance (1 of 4 stars; one submission).

Conditions:
Hyperaldosteronism, familial, type IV (HALD4). Also called: FH IV; ALDOSTERONISM, PRIMARY, AND HYPERTENSION. Identifiers: Orphanet 642671, MedGen C4310756, MONDO:0014875, OMIM 617027.
Idiopathic generalized epilepsy. Also called: EIG; Generalised epilepsy. Identifiers: MedGen C0270850, MONDO:0005579, OMIM 600669.

gnomAD v4.1: 1 of 1,613,124 alleles (0.000062%); highest among the groups gnomAD compares: South Asian, 0.0011%; no homozygotes.

Submission:

Labcorp Genetics (formerly Invitae), Labcorp
Classification: Uncertain significance for Idiopathic generalized epilepsy; Hyperaldosteronism, familial, type IV. Last evaluated: 2023-04-10. Review status: criteria provided, single submitter. Criteria: Invitae Variant Classification Sherloc (09022015). Collection method: clinical testing. Allele origin: germline.
Comment: In summary, the available evidence is currently insufficient to determine the role of this variant in disease. Therefore, it has been classified as a Variant of Uncertain Significance. Algorithms developed to predict the effect of sequence changes on RNA splicing suggest that this variant may create or strengthen a splice site. Advanced modeling of protein sequence and biophysical properties (such as structural, functional, and spatial information, amino acid conservation, physicochemical variation, residue mobility, and thermodynamic stability) performed at Invitae indicates that this missense variant is not expected to disrupt CACNA1H protein function. This variant has not been reported in the literature in individuals affected with CACNA1H-related conditions. This variant is present in population databases (no rsID available, gnomAD 0.003%). This sequence change replaces leucine, which is neutral and non-polar, with valine, which is neutral and non-polar, at codon 1668 of the CACNA1H protein (p.Leu1668Val).